The following is an entry in ClinVar:

ClinVar aggregate classification (germline): Likely benign (1 of 4 stars; one submission).

gnomAD v4.1: 18 of 1,610,244 alleles (0.0011%); highest among the groups gnomAD compares: South Asian, 0.018%; no homozygotes.

Submission:

CeGaT Center for Human Genetics Tuebingen
Classification: Likely benign. Last evaluated: 2025-03-01. Review status: criteria provided, single submitter. Criteria: CeGaT Center For Human Genetics Tuebingen Variant Classification Criteria Version 2. Collection method: clinical testing. Allele origin: germline. Affected: yes. Observed: 1 variant allele.
Comment: POLR1A: BP4, BP7

NM_015425.6(POLR1A):c.891C>T (p.Phe297=)

Gene: POLR1A (RNA polymerase I subunit A; minus strand). Cytogenetic location: 2p11.2.
Variant type: single nucleotide variant.
Coding change: c.891C>T on transcript NM_015425.6 (MANE Select); coding-DNA position 891, C replaced by T.
Protein change: p.Phe297=; no amino-acid change (phenylalanine 297 retained).
Molecular consequence: synonymous variant.
Genome position (GRCh38, 1-based): chr2:86,081,633, G>A on the plus strand (C>T on the coding strand, the complement: POLR1A is on the minus strand). VCF-style: chr2-86081633-G-A. GRCh37 (hg19) VCF-style: chr2-86308756-G-A.
Identifiers: ClinVar variation 3778125 (VCV003778125.7).
Genomic context (GRCh38, chr2:86,081,633, plus strand): 5'-GTGAAATAAGTTAATTAAAGGGTATTACCTTGAGGGCGGCACCACCAAGAAATCTAGAAA[G>A]AACACACTGGGATTGAATCTGGATTCCATACCATCATCATCCATTCCCGAAAAAAGGTAG-3'
Protein context (NP_056240.2, residues 287-307): GMESRFNPSV[Phe297=]FLDFLVVPPS